The following is an entry in ClinVar:

ClinVar aggregate classification (germline): Uncertain significance (1 of 4 stars; one submission).

Conditions:
Autosomal dominant nocturnal frontal lobe epilepsy 5. Also called: CILIARY DYSKINESIA, PRIMARY, 28, WITHOUT SITUS INVERSUS; CILIARY DYSKINESIA, PRIMARY, 28, WITH SITUS INVERSUS; Epilepsy, nocturnal frontal lobe, 5; KCNT1-Related Epilepsy. Identifiers: Orphanet 98784, MedGen C3554306, MONDO:0014002, OMIM 615005.
Developmental and epileptic encephalopathy, 14 (DEE14). Also called: Early infantile epileptic encephalopathy 14. Identifiers: Orphanet 293181, MedGen C3554195, MONDO:0013989, OMIM 614959.

Allele frequency attached by ClinVar (database versions not stated): ExAC 0.00001.
gnomAD v4.1: 8 of 1,612,708 alleles (0.0005%); highest among the groups gnomAD compares: Non-Finnish European, 0.00025%; no homozygotes.

Submission:

Labcorp Genetics (formerly Invitae), Labcorp
Classification: Uncertain significance for Autosomal dominant nocturnal frontal lobe epilepsy 5; Developmental and epileptic encephalopathy, 14. Last evaluated: 2022-10-04. Review status: criteria provided, single submitter. Criteria: Invitae Variant Classification Sherloc (09022015). Collection method: clinical testing. Allele origin: germline.
Comment: In summary, the available evidence is currently insufficient to determine the role of this variant in disease. Therefore, it has been classified as a Variant of Uncertain Significance. Advanced modeling of protein sequence and biophysical properties (such as structural, functional, and spatial information, amino acid conservation, physicochemical variation, residue mobility, and thermodynamic stability) has been performed at Invitae for this missense variant, however the output from this modeling did not meet the statistical confidence thresholds required to predict the impact of this variant on KCNT1 protein function. This variant has not been reported in the literature in individuals affected with KCNT1-related conditions. This variant is present in population databases (rs766205352, gnomAD 0.02%). This sequence change replaces arginine, which is basic and polar, with cysteine, which is neutral and slightly polar, at codon 258 of the KCNT1 protein (p.Arg258Cys).

NM_020822.3(KCNT1):c.772C>T (p.Arg258Cys)

Gene: KCNT1 (potassium sodium-activated channel subfamily T member 1; plus strand). Cytogenetic location: 9q34.3.
Variant type: single nucleotide variant.
Coding change: c.772C>T on transcript NM_020822.3 (MANE Select); coding-DNA position 772, C replaced by T.
Protein change: p.Arg258Cys; replaces arginine 258 with cysteine.
Molecular consequence: missense variant.
Genome position (GRCh38, 1-based): chr9:135,758,426, C>T. VCF-style: chr9-135758426-C-T. GRCh37 (hg19) VCF-style: chr9-138650272-C-T.
Other names: c.628C>T, p.Arg210Cys (NM_001272003.2); short protein forms R210C, R258C.
Identifiers: ClinVar variation 2418235 (VCV002418235.8), dbSNP rs766205352, ClinGen allele CA5326652.